The following is an entry in ClinVar:

NM_138773.4(SLC25A46):c.1018C>T (p.Arg340Cys)

Gene: SLC25A46 (solute carrier family 25 member 46; plus strand). Cytogenetic location: 5q22.1.
Variant type: single nucleotide variant.
Coding change: c.1018C>T on transcript NM_138773.4 (MANE Select); coding-DNA position 1018, C replaced by T.
Protein change: p.Arg340Cys; replaces arginine 340 with cysteine.
Molecular consequence: missense variant. On other transcripts: non-coding transcript variant (1).
Genome position (GRCh38, 1-based): chr5:110,761,543, C>T. VCF-style: chr5-110761543-C-T. GRCh37 (hg19) VCF-style: chr5-110097243-C-T.
Other names: c.775C>T, p.Arg259Cys (NM_001303249.3); c.745C>T, p.Arg249Cys (NM_001303250.3); c.1018C>T (NM_138773.3); short protein forms R340C, R259C, R249C.
Identifiers: ClinVar variation 372242 (VCV000372242.44), dbSNP rs746681765, ClinGen allele CA3364801.
Genomic context (GRCh38, chr5:110,761,543, plus strand): 5'-AACTTTGCTGCCAGTCTTTGTTCTGACGTTATACTTTACCCATTGGAAACAGTTTTGCAC[C>T]GCCTTCACATTCAAGGAACACGCACAATAATTGACAATACAGACCTTGGCTATGAAGTGC-3'
Protein context (NP_620128.1, residues 330-350): ILYPLETVLH[Arg340Cys]LHIQGTRTII

ClinVar aggregate classification (germline): Pathogenic/Likely pathogenic. Review status: criteria provided, multiple submitters, no conflicts (2 of 4 stars). 6 submissions from 6 submitters: Pathogenic (4); Likely pathogenic (1). 1 of the submissions does not count toward it. Last evaluated 2024-11-18.

Conditions:
Pontocerebellar hypoplasia, type 1E. Identifiers: MedGen C5543328, MONDO:0030260, OMIM 619303.
Neuropathy, hereditary motor and sensory, type 6B (HMSN6B). Also called: HMSN VIB; CHARCOT-MARIE-TOOTH DISEASE, TYPE 6B; Neuropathy, hereditary motor and sensory, type VIB; NEUROPATHY, HEREDITARY MOTOR AND SENSORY, TYPE VIB, WITH OPTIC ATROPHY. Identifiers: MedGen C4225302, MONDO:0014671, OMIM 616505.

Allele frequency attached by ClinVar (database versions not stated): TOPMed below 0.00001; gnomAD exomes 0.00001 and 0.00003; ExAC 0.00004.
gnomAD v4.1: 16 of 1,613,790 alleles (0.00099%); highest among the groups gnomAD compares: Non-Finnish European, 0.0013%; no homozygotes.

Submissions (6):

Labcorp Genetics (formerly Invitae), Labcorp
Classification: Pathogenic for Neuropathy, hereditary motor and sensory, type 6B. Last evaluated: 2024-11-18. Review status: criteria provided, single submitter. Criteria: Invitae Variant Classification Sherloc (09022015). Collection method: clinical testing. Allele origin: germline.
Comment: This sequence change replaces arginine, which is basic and polar, with cysteine, which is neutral and slightly polar, at codon 340 of the SLC25A46 protein (p.Arg340Cys). This variant is present in population databases (rs746681765, gnomAD 0.005%). This missense change has been observed in individuals with SLC25A46-related conditions (PMID: 26168012, 28369803, 28558379). This variant is also known as R259C. ClinVar contains an entry for this variant (Variation ID: 372242). Invitae Evidence Modeling of protein sequence and biophysical properties (such as structural, functional, and spatial information, amino acid conservation, physicochemical variation, residue mobility, and thermodynamic stability) has been performed for this missense variant. However, the output from this modeling did not meet the statistical confidence thresholds required to predict the impact of this variant on SLC25A46 protein function. Experimental studies have shown that this missense change affects SLC25A46 function (PMID: 27543974). For these reasons, this variant has been classified as Pathogenic.

Institute of Medical Genetics and Applied Genomics, University Hospital Tübingen
Classification: Pathogenic for Neuropathy, hereditary motor and sensory, type 6B. Last evaluated: 2024-07-30. Review status: criteria provided, single submitter. Criteria: ACMG Guidelines, 2015. Collection method: clinical testing. Allele origin: germline. Inheritance: Autosomal recessive inheritance. Affected: yes.

Clinical Genomics Laboratory, Washington University in St. Louis
Classification: Pathogenic for Pontocerebellar hypoplasia, type 1E; Neuropathy, hereditary motor and sensory, type 6B. Last evaluated: 2023-09-08. Review status: criteria provided, single submitter. Criteria: ACMG Guidelines, 2015. Collection method: clinical testing. Allele origin: germline. Affected: yes.
Comment: The SLC25A46 c.1018C>T (p.Arg340Cys) variant has been reported in nine individuals across three consanguineous families affected with hereditary motor and sensory neuropathy type VIB (Abrams AJ et al., PMID: 26168012; Hammer MB et al., PMID: 28558379; Sulaiman RA et al., PMID: 28369803). Functional studies show less abundant protein expression compared to wild type, indicating that this variant impacts protein stability (Wan J et al., PMID: 27543974). This variant is only observed in 7 alleles out of 250,792 total alleles in the general population, including no homozygotes (gnomAD v.2.1.1), indicating it is not a common variant. Computational predictors indicate that the variant is damaging, evidence that correlates with impact to SLC25A46 function. This variant has been reported in the ClinVar database as a pathogenic variant by one submitter. Based on available information and the ACMG/AMP guidelines for variant interpretation (Richards S et al., PMID: 25741868), this variant is classified as pathogenic.

Neurometabolic Diseases Laboratory, Bellvitge Biomedical Research Institute (IDIBELL)
Classification: Pathogenic for Neuropathy, hereditary motor and sensory, type 6B. Last evaluated: 2023-04-27. Review status: criteria provided, single submitter. Criteria: ACMG Guidelines, 2015. Collection method: research. Allele origin: germline. Affected: yes.

Juno Genomics, Hangzhou Juno Genomics, Inc
Classification: Likely pathogenic for Neuropathy, hereditary motor and sensory, type 6B; Pontocerebellar hypoplasia, type 1E. Review status: criteria provided, single submitter. Criteria: ACMG Guidelines, 2015. Collection method: clinical testing. Allele origin: germline. Affected: yes.
Comment: Absent from controls (or at extremely low frequency if recessive) in Genome Aggregation Database, Exome Sequencing Project, 1000 Genomes Project, or Exome Aggregation Consortium.;For recessive disorders, detected in trans with a pathogenic variant.;Co-segregation with disease in multiple affected family members in a gene definitively known to cause the disease.;Patient's phenotype or family history is highly specific for a disease with a single genetic etiology.;Well-established in vitro or in vivo functional studies supportive of a damaging effect on the gene or gene product.

OMIM
Classification: Pathogenic for NEUROPATHY, HEREDITARY MOTOR AND SENSORY, TYPE VIB. Last evaluated: 2023-02-14. Review status: no assertion criteria provided. Collection method: literature only. Allele origin: germline. Not counted in ClinVar's aggregate classification.

Literature cited by the submitters: PubMed 26168012 (cited by Labcorp Genetics (formerly Invitae), Labcorp and OMIM); PubMed 28369803 (cited by Labcorp Genetics (formerly Invitae), Labcorp); PubMed 28558379 (cited by Labcorp Genetics (formerly Invitae), Labcorp and OMIM); PubMed 27543974 (cited by Labcorp Genetics (formerly Invitae), Labcorp); PubMed 33816684 (cited by OMIM).